The following is an entry in ClinVar:

ClinVar aggregate classification (germline): Uncertain significance. Review status: criteria provided, multiple submitters, no conflicts (2 of 4 stars). 3 submissions from 3 submitters: Uncertain significance (3). Last evaluated 2025-07-18.

Allele frequency attached by ClinVar (database versions not stated): gnomAD 0.00001; ExAC 0.00002; TOPMed 0.00002.
gnomAD v4.1: 45 of 1,612,838 alleles (0.0028%); highest among the groups gnomAD compares: Non-Finnish European, 0.0038%; no homozygotes.

Submissions (3):

Labcorp Genetics (formerly Invitae), Labcorp
Classification: Uncertain significance. Last evaluated: 2025-07-18. Review status: criteria provided, single submitter. Criteria: Invitae Variant Classification Sherloc (09022015). Collection method: clinical testing. Allele origin: germline.
Comment: This sequence change replaces glycine, which is neutral and non-polar, with alanine, which is neutral and non-polar, at codon 22 of the POLG2 protein (p.Gly22Ala). This variant is present in population databases (rs782252477, gnomAD 0.002%). This variant has not been reported in the literature in individuals affected with POLG2-related conditions. ClinVar contains an entry for this variant (Variation ID: 2136468). An algorithm developed to predict the effect of missense changes on protein structure and function outputs the following: PolyPhen-2: "Possibly Damaging". The alanine amino acid residue is found in multiple mammalian species, which suggests that this missense change does not adversely affect protein function. In summary, the available evidence is currently insufficient to determine the role of this variant in disease. Therefore, it has been classified as a Variant of Uncertain Significance.

Ambry Genetics
Classification: Uncertain significance. Last evaluated: 2024-08-14. Review status: criteria provided, single submitter. Criteria: Ambry Variant Classification Scheme 2023. Collection method: clinical testing. Allele origin: germline.

Women's Health and Genetics/Laboratory Corporation of America, LabCorp
Classification: Uncertain significance. Last evaluated: 2024-03-01. Review status: criteria provided, single submitter. Criteria: LabCorp Variant Classification Summary - May 2015. Collection method: clinical testing. Allele origin: germline.
Comment: Variant summary: POLG2 c.65G>C (p.Gly22Ala) results in a non-conservative amino acid change in the encoded protein sequence. Four of five in-silico tools predict a benign effect of the variant on protein function. The variant allele was found at a frequency of 8e-06 in 250500 control chromosomes (gnomAD). The available data on variant occurrences in the general population are insufficient to allow any conclusion about variant significance. To our knowledge, no occurrence of c.65G>C in individuals affected with POLG2-Related Disorder and no experimental evidence demonstrating its impact on protein function have been reported. ClinVar contains an entry for this variant (Variation ID: 2136468). Based on the evidence outlined above, the variant was classified as uncertain significance.

NM_007215.4(POLG2):c.65G>C (p.Gly22Ala)

Genes: POLG2 (DNA polymerase gamma 2, accessory subunit; minus strand), MILR1 (mast cell immunoglobulin like receptor 1; plus strand). Cytogenetic location: 17q23.3.
Variant type: single nucleotide variant.
Coding change: c.65G>C on transcript NM_007215.4 (MANE Select); coding-DNA position 65, G replaced by C.
Protein change: p.Gly22Ala; replaces glycine 22 with alanine.
Molecular consequence: missense variant.
Genome position (GRCh38, 1-based): chr17:64,496,904, C>G on the plus strand (G>C on the coding strand, the complement: POLG2 is on the minus strand). VCF-style: chr17-64496904-C-G. GRCh37 (hg19) VCF-style: chr17-62493022-C-G.
Other names: c.65G>C (NM_007215.3); short protein forms G22A.
Identifiers: ClinVar variation 2136468 (VCV002136468.7), dbSNP rs782252477, ClinGen allele CA8713097.